The following is an entry in ClinVar:

ClinVar aggregate classification (germline): Benign/Likely benign. Review status: criteria provided, multiple submitters, no conflicts (2 of 4 stars). 3 submissions from 3 submitters: Benign (1); Likely benign (1). 1 of the submissions does not count toward it. Last evaluated 2026-01-28.

Conditions:
LCT-related disorder. Also called: LCT-related condition.

Allele frequency attached by ClinVar (database versions not stated): gnomAD exomes 0.00134; ExAC 0.00161; gnomAD 0.00517 and 0.00558; ESP Exome Variant Server 0.00523; 1000 Genomes Project 0.00559; TOPMed 0.00636; 1000 Genomes Project 30x 0.00656.

Submissions (3):

Labcorp Genetics (formerly Invitae), Labcorp
Classification: Benign. Last evaluated: 2026-01-28. Review status: criteria provided, single submitter. Criteria: Invitae Variant Classification Sherloc (09022015). Collection method: clinical testing. Allele origin: germline.

Blueprint Genetics
Classification: Likely benign. Last evaluated: 2024-07-19. Review status: criteria provided, single submitter. Criteria: ACMG Guidelines, 2015. Collection method: clinical testing. Allele origin: germline.

PreventionGenetics, part of Exact Sciences
Classification: Benign for LCT-related condition. Last evaluated: 2019-06-02. Review status: no assertion criteria provided. Collection method: clinical testing. Allele origin: germline. Not counted in ClinVar's aggregate classification.
Comment: This variant is classified as benign based on ACMG/AMP sequence variant interpretation guidelines (Richards et al. 2015 PMID: 25741868, with internal and published modifications).

NM_002299.4(LCT):c.3006G>A (p.Arg1002=)

Gene: LCT (lactase; minus strand). Cytogenetic location: 2q21.3.
Variant type: single nucleotide variant.
Coding change: c.3006G>A on transcript NM_002299.4 (MANE Select); coding-DNA position 3006, G replaced by A.
Protein change: p.Arg1002=; no amino-acid change (arginine 1002 retained).
Molecular consequence: synonymous variant.
Genome position (GRCh38, 1-based): chr2:135,809,341, C>T on the plus strand (G>A on the coding strand, the complement: LCT is on the minus strand). VCF-style: chr2-135809341-C-T. GRCh37 (hg19) VCF-style: chr2-136566911-C-T.
Other names: c.3006G>A (LRG_338t1, NM_002299.3).
Identifiers: ClinVar variation 331191 (VCV000331191.16), dbSNP rs114815229, ClinGen allele CA1888130.